The following is an entry in ClinVar:

NM_000548.5(TSC2):c.5391CTC[3] (p.Ser1799_Val1800insSer)

Gene: TSC2 (TSC complex subunit 2; plus strand). Cytogenetic location: 16p13.3.
Variant type: Microsatellite.
Coding change: c.5391CTC[3] on transcript NM_000548.5 (MANE Select); three copies in a row of the 3-base unit CTC starting at c.5391; the reference has two copies in a row; one copy, 3 bases duplicated.
Protein change: p.Ser1799_Val1800insSer.
Molecular consequence: inframe insertion. On other transcripts: inframe indel (1), non-coding transcript variant (5).
Genome position (GRCh38, 1-based): chr16:2,088,580-2,088,582, CTC duplicated; duplicating any 3 consecutive bases within chr16:2,088,577-2,088,582 gives the same sequence; the position shown is the placement nearest the transcript's 3' end. VCF-style (leftmost placement, unchanged base first): chr16-2088576-T-TCTC. GRCh37 (hg19) VCF-style: chr16-2138577-T-TCTC.
Other names: c.5394_5396dupCTC (NM_000548.3, NM_000548.5); c.5391_5393CTC[3], p.Ser1799_Val1800insSer (NM_000548.3); c.5190CTC[3], p.Ser1732_Val1733insSer (NM_001077183.3); c.5322CTC[3], p.Ser1776_Val1777insSer (NM_001114382.3); c.5082CTC[3], p.Ser1696_Val1697insSer (NM_001318827.2); c.5046CTC[3], p.Ser1684_Val1685insSer (NM_001318829.2); c.4659CTC[3], p.Ser1555_Val1556insSer (NM_001318831.2); c.5223CTC[3], p.Ser1743_Val1744insSer (NM_001318832.2); and 29 more.
Identifiers: ClinVar variation 4688781 (VCV004688781.2).

ClinVar aggregate classification (germline): Uncertain significance. Review status: criteria provided, multiple submitters, no conflicts (2 of 4 stars). 2 submissions from 2 submitters: Uncertain significance (2). Last evaluated 2026-03-02.

Conditions:
Hereditary cancer-predisposing syndrome. Also called: Neoplastic Syndromes, Hereditary; Tumor predisposition; Hereditary Cancer Syndrome; Hereditary neoplastic syndrome. Identifiers: Orphanet 140162, MedGen C0027672, MeSH D009386, MONDO:0015356.

Submissions (2):

Ambry Genetics
Classification: Uncertain significance for Hereditary cancer-predisposing syndrome. Last evaluated: 2026-03-02. Review status: criteria provided, single submitter. Criteria: Ambry Variant Classification Scheme 2023. Collection method: clinical testing. Allele origin: germline.
Comment: The c.5394_5396dupCTC variant (also known as p.S1799dup), located in coding exon 41 of the TSC2 gene, results from an in-frame duplication of CTC at nucleotide positions 5394 to 5396. This results in the duplication of a serine residue between codons 1799 and 1800. This amino acid position is not well conserved in available vertebrate species. In addition, the in silico prediction for this variant is inconclusive (Choi Y et al. PLoS ONE. 2012; 7(10):e46688). Based on the available evidence, the clinical significance of this variant remains unclear.

Women's Health and Genetics/Laboratory Corporation of America, LabCorp
Classification: Uncertain significance. Last evaluated: 2025-12-26. Review status: criteria provided, single submitter. Criteria: LabCorp Variant Classification Summary - May 2015. Collection method: clinical testing. Allele origin: germline.
Comment: Variant summary: TSC2 c.5394_5396dupCTC (p.Ser1799dup) results in an in-frame duplication that is predicted to duplicate one amino acid into the encoded protein. The variant was absent in 245802 control chromosomes. The available data on variant occurrences in the general population are insufficient to allow any conclusion about variant significance. To our knowledge, no occurrence of c.5394_5396dupCTC in individuals affected with TSC2-related conditions and no experimental evidence demonstrating its impact on protein function have been reported. No submitters have cited clinical-significance assessments for this variant to ClinVar. Based on the evidence outlined above, the variant was classified as uncertain significance.